The following is an entry in ClinVar:

ClinVar aggregate classification (germline): Conflicting classifications of pathogenicity. Review status: criteria provided, conflicting classifications (1 of 4 stars). 4 submissions from 4 submitters: Uncertain significance (1); Benign (1); Likely benign (1). 1 of the submissions does not count toward it. Last evaluated 2024-05-21.

Conditions:
Inborn genetic diseases. Identifiers: MedGen C0950123, MeSH D030342.
MKRN3-related disorder. Also called: MKRN3-related condition.

Allele frequency attached by ClinVar (database versions not stated): TOPMed 0.00010; ESP Exome Variant Server 0.00015; 1000 Genomes Project 30x 0.00031; gnomAD exomes 0.00037 and 0.00082; 1000 Genomes Project 0.00040; gnomAD 0.00053 and 0.00057; ExAC 0.00074.
gnomAD v4.1: 626 of 1,614,194 alleles (0.039%); highest among the groups gnomAD compares: Non-Finnish European, 0.0084%; 4 homozygotes.

Submissions (4):

Blueprint Genetics
Classification: Likely benign. Last evaluated: 2024-05-21. Review status: criteria provided, single submitter. Criteria: ACMG Guidelines, 2015. Collection method: clinical testing. Allele origin: germline.

Ambry Genetics
Classification: Uncertain significance for Inborn genetic diseases. Last evaluated: 2022-12-13. Review status: criteria provided, single submitter. Criteria: Ambry Variant Classification Scheme 2023. Collection method: clinical testing. Allele origin: germline.

Labcorp Genetics (formerly Invitae), Labcorp
Classification: Benign. Last evaluated: 2018-03-02. Review status: criteria provided, single submitter. Criteria: Invitae Variant Classification Sherloc (09022015). Collection method: clinical testing. Allele origin: germline.

PreventionGenetics, part of Exact Sciences
Classification: Benign for MKRN3-related condition. Last evaluated: 2019-10-28. Review status: no assertion criteria provided. Collection method: clinical testing. Allele origin: germline. Not counted in ClinVar's aggregate classification.
Comment: This variant is classified as benign based on ACMG/AMP sequence variant interpretation guidelines (Richards et al. 2015 PMID: 25741868, with internal and published modifications).

NM_005664.4(MKRN3):c.566G>A (p.Arg189His)

Gene: MKRN3 (makorin ring finger protein 3; plus strand). Cytogenetic location: 15q11.2.
Variant type: single nucleotide variant.
Coding change: c.566G>A on transcript NM_005664.4 (MANE Select); coding-DNA position 566, G replaced by A.
Protein change: p.Arg189His; replaces arginine 189 with histidine.
Molecular consequence: missense variant.
Genome position (GRCh38, 1-based): chr15:23,566,348, G>A. VCF-style: chr15-23566348-G-A. GRCh37 (hg19) VCF-style: chr15-23811495-G-A.
Other names: short protein forms R189H.
Identifiers: ClinVar variation 727967 (VCV000727967.9), dbSNP rs191451278, ClinGen allele CA7429418.